The following is an entry in ClinVar:

ClinVar aggregate classification (germline): Conflicting classifications of pathogenicity. Review status: criteria provided, conflicting classifications (1 of 4 stars). 3 submissions from 3 submitters: Uncertain significance (2); Likely benign (1). Last evaluated 2025-12-17.

Conditions:
BAP1-related tumor predisposition syndrome (TPDS1). Also called: Tumor susceptibility linked to germline BAP1 mutations; BAP1 tumor predisposition syndrome; TUMOR PREDISPOSITION SYNDROME 1; COMMON Syndrome. Identifiers: Orphanet 289539, MedGen C3280492, MONDO:0013692, OMIM 614327.
Hereditary cancer-predisposing syndrome. Also called: Neoplastic Syndromes, Hereditary; Tumor predisposition; Hereditary neoplastic syndrome; Hereditary Cancer Syndrome. Identifiers: Orphanet 140162, MedGen C0027672, MeSH D009386, MONDO:0015356.

Allele frequency attached by ClinVar (database versions not stated): ExAC 0.00001.

Submissions (3):

Labcorp Genetics (formerly Invitae), Labcorp
Classification: Likely benign for BAP1-related tumor predisposition syndrome. Last evaluated: 2025-12-17. Review status: criteria provided, single submitter. Criteria: Invitae Variant Classification Sherloc (09022015). Collection method: clinical testing. Allele origin: germline.

Ambry Genetics
Classification: Uncertain significance for Hereditary cancer-predisposing syndrome. Last evaluated: 2025-06-05. Review status: criteria provided, single submitter. Criteria: Ambry Variant Classification Scheme 2023. Collection method: clinical testing. Allele origin: germline.
Comment: The c.1117-5C>A intronic variant results from a C to A substitution 5 nucleotides upstream from coding exon 12 in the BAP1 gene. This nucleotide position is not well conserved in available vertebrate species. In silico splice site analysis predicts that this alteration will not have any significant effect on splicing; however, direct evidence is insufficient at this time (Ambry internal data). Based on the available evidence, the clinical significance of this variant remains unclear.

Color Diagnostics, LLC DBA Color Health
Classification: Uncertain significance for Hereditary cancer-predisposing syndrome. Last evaluated: 2018-10-02. Review status: criteria provided, single submitter. Criteria: ACMG Guidelines, 2015. Collection method: clinical testing. Allele origin: germline.

NM_004656.4(BAP1):c.1117-5C>A

Gene: BAP1 (BRCA1 associated deubiquitinase 1; minus strand). Cytogenetic location: 3p21.1.
Variant type: single nucleotide variant.
Coding change: c.1117-5C>A on transcript NM_004656.4 (MANE Select); 5 bases into the intron before coding-DNA position 1117, C replaced by A.
Molecular consequence: intron variant.
Genome position (GRCh38, 1-based): chr3:52,404,591, G>T on the plus strand (C>A on the coding strand, the complement: BAP1 is on the minus strand). VCF-style: chr3-52404591-G-T. GRCh37 (hg19) VCF-style: chr3-52438607-G-T.
Other names: c.1117-5C>A (NM_004656.2).
Identifiers: ClinVar variation 629903 (VCV000629903.6), dbSNP rs771441619, ClinGen allele CA2436897.